The following is an entry in ClinVar:

NM_001029883.3(PCARE):c.2960del (p.Ser987fs)

Gene: PCARE (photoreceptor cilium actin regulator; minus strand). Cytogenetic location: 2p23.2.
Variant type: Deletion.
Coding change: c.2960del on transcript NM_001029883.3 (MANE Select); coding-DNA position 2960, one base deleted (G; older notation c.2960delG).
Protein change: p.Ser987fs; shifts the reading frame from serine 987.
Molecular consequence: frameshift variant.
Genome position (GRCh38, 1-based): chr2:29,071,302, C deleted on the plus strand (G on the coding strand, the reverse complement: PCARE is on the minus strand). VCF-style (leftmost placement, unchanged base first): chr2-29071301-GC-G. GRCh37 (hg19) VCF-style: chr2-29294167-GC-G.
Other names: short protein forms S987fs.
Identifiers: ClinVar variation 1458436 (VCV001458436.6), dbSNP rs778346520, ClinGen allele CA1592072.

ClinVar aggregate classification (germline): Pathogenic (1 of 4 stars; one submission).

Allele frequency attached by ClinVar (database versions not stated): gnomAD exomes below 0.00001; ExAC 0.00001.

Submission:

Labcorp Genetics (formerly Invitae), Labcorp
Classification: Pathogenic. Last evaluated: 2022-07-19. Review status: criteria provided, single submitter. Criteria: Invitae Variant Classification Sherloc (09022015). Collection method: clinical testing. Allele origin: germline.
Comment: For these reasons, this variant has been classified as Pathogenic. ClinVar contains an entry for this variant (Variation ID: 1458436). This variant has not been reported in the literature in individuals affected with PCARE-related conditions. This variant is present in population databases (rs778346520, gnomAD 0.0009%). This sequence change creates a premature translational stop signal (p.Ser987Thrfs*48) in the PCARE gene. It is expected to result in an absent or disrupted protein product. Loss-of-function variants in PCARE are known to be pathogenic (PMID: 20398886, 24339724, 26496393).

Literature cited by the submitters: PubMed 20398886; PubMed 24339724; PubMed 26496393.